The following is an entry in ClinVar:

ClinVar aggregate classification (germline): Uncertain significance. Review status: criteria provided, multiple submitters, no conflicts (2 of 4 stars). 2 submissions from 2 submitters: Uncertain significance (2). Last evaluated 2024-01-11.

Conditions:
Oligodontia-cancer predisposition syndrome. Also called: TOOTH AGENESIS-COLORECTAL CANCER SYNDROME. Identifiers: Orphanet 300576, MedGen C1837750, MONDO:0012075, OMIM 608615. Disease mechanism: loss of function.
Hereditary cancer-predisposing syndrome. Also called: Neoplastic Syndromes, Hereditary; Hereditary Cancer Syndrome; Hereditary neoplastic syndrome; Tumor predisposition. Identifiers: Orphanet 140162, MedGen C0027672, MeSH D009386, MONDO:0015356.

Allele frequency attached by ClinVar (database versions not stated): gnomAD exomes below 0.00001.
gnomAD v4.1: 1 of 1,557,562 alleles (0.000064%); highest among the groups gnomAD compares: Non-Finnish European, 0.000087%; no homozygotes.

Submissions (2):

Labcorp Genetics (formerly Invitae), Labcorp
Classification: Uncertain significance for Oligodontia-cancer predisposition syndrome. Last evaluated: 2024-01-11. Review status: criteria provided, single submitter. Criteria: Invitae Variant Classification Sherloc (09022015). Collection method: clinical testing. Allele origin: germline.
Comment: This sequence change replaces cysteine, which is neutral and slightly polar, with serine, which is neutral and polar, at codon 452 of the AXIN2 protein (p.Cys452Ser). This variant is not present in population databases (gnomAD no frequency). This variant has not been reported in the literature in individuals affected with AXIN2-related conditions. ClinVar contains an entry for this variant (Variation ID: 2566135). Advanced modeling of protein sequence and biophysical properties (such as structural, functional, and spatial information, amino acid conservation, physicochemical variation, residue mobility, and thermodynamic stability) performed at Invitae indicates that this missense variant is not expected to disrupt AXIN2 protein function with a negative predictive value of 80%. In summary, the available evidence is currently insufficient to determine the role of this variant in disease. Therefore, it has been classified as a Variant of Uncertain Significance.

Ambry Genetics
Classification: Uncertain significance for Hereditary cancer-predisposing syndrome. Last evaluated: 2023-05-29. Review status: criteria provided, single submitter. Criteria: Ambry Variant Classification Scheme 2023. Collection method: clinical testing. Allele origin: germline.
Comment: The p.C452S variant (also known as c.1354T>A), located in coding exon 5 of the AXIN2 gene, results from a T to A substitution at nucleotide position 1354. The cysteine at codon 452 is replaced by serine, an amino acid with dissimilar properties. This amino acid position is conserved. In addition, this alteration is predicted to be deleterious by in silico analysis. Since supporting evidence is limited at this time, the clinical significance of this alteration remains unclear.

NM_004655.4(AXIN2):c.1354T>A (p.Cys452Ser)

Gene: AXIN2 (axin 2; minus strand). Cytogenetic location: 17q24.1.
Variant type: single nucleotide variant.
Coding change: c.1354T>A on transcript NM_004655.4 (MANE Select); coding-DNA position 1354, T replaced by A.
Protein change: p.Cys452Ser; replaces cysteine 452 with serine.
Molecular consequence: missense variant.
Genome position (GRCh38, 1-based): chr17:65,537,682, A>T on the plus strand (T>A on the coding strand, the complement: AXIN2 is on the minus strand). VCF-style: chr17-65537682-A-T. GRCh37 (hg19) VCF-style: chr17-63533800-A-T.
Other names: c.1354T>A, p.Cys452Ser (NM_001363813.1); short protein forms C452S.
Identifiers: ClinVar variation 2566135 (VCV002566135.5), dbSNP rs2509416318, ClinGen allele CA400677667.